The following is an entry in ClinVar:

ClinVar aggregate classification (germline): Uncertain significance (1 of 4 stars; one submission).

Submission:

GeneDx
Classification: Uncertain significance. Last evaluated: 2026-03-15. Review status: criteria provided, single submitter. Criteria: GeneDx Variant Classification Process June 2021. Collection method: clinical testing. Allele origin: germline.
Comment: Not observed at significant frequency in large population cohorts (gnomAD); In silico analysis supports that this missense variant has a deleterious effect on protein structure/function; Has not been previously published as pathogenic or benign to our knowledge

NM_006914.4(RORB):c.297G>C (p.Lys99Asn)

Gene: RORB (RAR related orphan receptor B; plus strand). Cytogenetic location: 9q21.13.
Variant type: single nucleotide variant.
Coding change: c.297G>C on transcript NM_006914.4 (MANE Select); coding-DNA position 297, G replaced by C.
Protein change: p.Lys99Asn; replaces lysine 99 with asparagine.
Molecular consequence: missense variant.
Genome position (GRCh38, 1-based): chr9:74,642,475, G>C. VCF-style: chr9-74642475-G-C. GRCh37 (hg19) VCF-style: chr9-77257391-G-C.
Other names: c.330G>C, p.Lys110Asn (NM_001365023.1); short protein forms K110N, K99N.
Identifiers: ClinVar variation 5009263 (VCV005009263.1).